The following is an entry in ClinVar:

NM_138295.5(PKD1L1):c.4218G>A (p.Ser1406=)

Gene: PKD1L1 (polycystin 1 like 1, transient receptor potential channel interacting; minus strand). Cytogenetic location: 7p12.3.
Variant type: single nucleotide variant.
Coding change: c.4218G>A on transcript NM_138295.5 (MANE Select); coding-DNA position 4218, G replaced by A.
Protein change: p.Ser1406=; no amino-acid change (serine 1406 retained).
Molecular consequence: synonymous variant.
Genome position (GRCh38, 1-based): chr7:47,858,817, C>T on the plus strand (G>A on the coding strand, the complement: PKD1L1 is on the minus strand). VCF-style: chr7-47858817-C-T. GRCh37 (hg19) VCF-style: chr7-47898415-C-T.
Identifiers: ClinVar variation 4982000 (VCV004982000.1).
Genomic context (GRCh38, chr7:47,858,817, plus strand): 5'-GACTCTGGATATGAGACCGATGAGCTCAAGCCTCACTCCTTTGTCAATCACAAATGGCCC[C>T]GAGAACTGGCCTTGAGCAAGGAGTGCCCGGGTGTACTTGAGGATGAGAACCGCACTCATA-3'
Protein context (NP_612152.1, residues 1396-1416): TRALLAQGQF[Ser1406=]GPFVIDKGVR

ClinVar aggregate classification (germline): Likely benign (1 of 4 stars; one submission).

Conditions:
PKD1L1-related disorder. Also called: PKD1L1-related condition.

gnomAD v4.1: 11 of 1,614,010 alleles (0.00068%); highest among the groups gnomAD compares: Admixed American, 0.0017%; no homozygotes.

Submission:

PreventionGenetics, part of Exact Sciences
Classification: Likely benign for PKD1L1-related condition. Last evaluated: 2025-07-08. Review status: criteria provided, single submitter. Criteria: ACMG Guidelines, 2015. Collection method: clinical testing. Allele origin: germline.
Comment: This variant is classified as likely benign based on ACMG/AMP sequence variant interpretation guidelines (Richards et al. 2015 PMID: 25741868, with internal and published modifications).